The following is an entry in ClinVar:

ClinVar aggregate classification (germline): Uncertain significance (1 of 4 stars; one submission).

Submission:

GeneDx
Classification: Uncertain significance. Last evaluated: 2024-06-13. Review status: criteria provided, single submitter. Criteria: GeneDx Variant Classification Process June 2021. Collection method: clinical testing. Allele origin: germline. Affected: yes.
Comment: Not observed at significant frequency in large population cohorts (gnomAD); In silico analysis supports a deleterious effect on protein structure/function; Has not been previously published as pathogenic or benign to our knowledge

NM_005898.5(CAPRIN1):c.1318_1319delinsTT (p.Glu440Leu)

Gene: CAPRIN1 (cell cycle associated protein 1; plus strand). Cytogenetic location: 11p13.
Variant type: Indel.
Coding change: c.1318_1319delinsTT on transcript NM_005898.5 (MANE Select); coding-DNA positions 1318 to 1319, GA replaced by TT.
Protein change: p.Glu440Leu; replaces glutamic acid 440 with leucine.
Molecular consequence: missense variant.
Genome position (GRCh38, 1-based): chr11:34,090,203-34,090,204, GA replaced by TT. VCF-style: chr11-34090203-GA-TT. GRCh37 (hg19) VCF-style: chr11-34111750-GA-TT.
Other names: c.1318_1319delinsTT, p.Glu440Leu (NM_203364.3); short protein forms E440L.
Identifiers: ClinVar variation 3390516 (VCV003390516.1).